The following is an entry in ClinVar:

NM_001165963.4(SCN1A):c.971A>G (p.His324Arg)

Gene: SCN1A (sodium voltage-gated channel alpha subunit 1; minus strand). Cytogenetic location: 2q24.3.
Variant type: single nucleotide variant.
Coding change: c.971A>G on transcript NM_001165963.4 (MANE Select); coding-DNA position 971, A replaced by G.
Protein change: p.His324Arg; replaces histidine 324 with arginine.
Molecular consequence: missense variant. On other transcripts: 5 prime UTR variant (1), non-coding transcript variant (1).
Genome position (GRCh38, 1-based): chr2:166,048,943, T>C on the plus strand (A>G on the coding strand, the complement: SCN1A is on the minus strand). VCF-style: chr2-166048943-T-C. GRCh37 (hg19) VCF-style: chr2-166905453-T-C.
Other names: p.H324R:CAT>CGT; c.971A>G, p.His324Arg (NM_001165964.3, NM_001202435.3, NM_001353948.2 and 10 more transcripts); c.-1455A>G (NM_001353961.2); short protein forms H324R.
Identifiers: ClinVar variation 206932 (VCV000206932.14), dbSNP rs796053093, ClinGen allele CA317767.
Genomic context (GRCh38, chr2:166,048,943, plus strand): 5'-TACCCTGCATCAGAGCTATTTCCACATAGTAGTGCATCTAAAAAACCCTCCAGGAAATAA[T>C]GATATCCTGTTTGAAAAAAGAAAGTCGTATGATGAACATTTGCATTGTTAAAAACACTCA-3'
Protein context (NP_001159435.1, residues 314-334): WKSYIQDSRY[His324Arg]YFLEGFLDAL

ClinVar aggregate classification (germline): Conflicting classifications of pathogenicity. Review status: criteria provided, conflicting classifications (1 of 4 stars). 2 submissions from 2 submitters: Likely pathogenic (1); Uncertain significance (1). Last evaluated 2025-03-19.

Conditions:
Early-infantile DEE. Also called: Ohtahara syndrome; Early infantile epileptic encephalopathy; Early infantile epileptic encephalopathy with suppression bursts. Identifiers: Orphanet 1934, MedGen C0393706, MONDO:0800491.

Submissions (2):

Labcorp Genetics (formerly Invitae), Labcorp
Classification: Uncertain significance for Early-infantile DEE. Last evaluated: 2025-03-19. Review status: criteria provided, single submitter. Criteria: Invitae Variant Classification Sherloc (09022015). Collection method: clinical testing. Allele origin: germline.
Comment: This sequence change replaces histidine, which is basic and polar, with arginine, which is basic and polar, at codon 324 of the SCN1A protein (p.His324Arg). This variant is not present in population databases (gnomAD no frequency). This variant has not been reported in the literature in individuals affected with SCN1A-related conditions. ClinVar contains an entry for this variant (Variation ID: 206932). Invitae Evidence Modeling of protein sequence and biophysical properties (such as structural, functional, and spatial information, amino acid conservation, physicochemical variation, residue mobility, and thermodynamic stability) indicates that this missense variant is not expected to disrupt SCN1A protein function with a negative predictive value of 95%. This variant disrupts the p.His324 amino acid residue in SCN1A. Other variant(s) that disrupt this residue have been determined to be pathogenic (PMID: 28012175, 29142202). This suggests that this residue is clinically significant, and that variants that disrupt this residue are likely to be disease-causing. In summary, the available evidence is currently insufficient to determine the role of this variant in disease. Therefore, it has been classified as a Variant of Uncertain Significance.

GeneDx
Classification: Likely pathogenic. Last evaluated: 2022-02-25. Review status: criteria provided, single submitter. Criteria: GeneDx Variant Classification Process June 2021. Collection method: clinical testing. Allele origin: germline. Affected: yes.
Comment: Not observed at significant frequency in large population cohorts (gnomAD); Missense variants in this gene are often considered pathogenic (HGMD); In silico analysis supports that this missense variant has a deleterious effect on protein structure/function; Has not been previously published as pathogenic or benign to our knowledge; SCN1A_the extracellular loop between the S5 and S6 transmembrane segments of the first homologous domain

Literature cited by the submitters: PubMed 28012175 (cited by Labcorp Genetics (formerly Invitae), Labcorp); PubMed 29142202 (cited by Labcorp Genetics (formerly Invitae), Labcorp).